The following is an entry in ClinVar:

NM_001253852.3(AP4B1):c.639G>T (p.Trp213Cys)

Genes: AP4B1 (adaptor related protein complex 4 subunit beta 1; minus strand), AP4B1-AS1 (AP4B1 antisense RNA 1; plus strand). Cytogenetic location: 1p13.2.
Variant type: single nucleotide variant.
Coding change: c.639G>T on transcript NM_001253852.3 (MANE Select); coding-DNA position 639, G replaced by T.
Protein change: p.Trp213Cys; replaces tryptophan 213 with cysteine.
Molecular consequence: missense variant. On other transcripts: non-coding transcript variant (2).
Genome position (GRCh38, 1-based): chr1:113,900,379, C>A on the plus strand (G>T on the coding strand, the complement: AP4B1 is on the minus strand). VCF-style: chr1-113900379-C-A. GRCh37 (hg19) VCF-style: chr1-114443001-C-A.
Other names: c.342G>T, p.Trp114Cys (NM_001253853.3); c.135G>T, p.Trp45Cys (NM_001308312.2); c.639G>T, p.Trp213Cys (NM_006594.5); short protein forms W114C, W213C, W45C.
Identifiers: ClinVar variation 2073686 (VCV002073686.4), dbSNP rs2526597484, ClinGen allele CA341714048.

ClinVar aggregate classification (germline): Uncertain significance (1 of 4 stars; one submission).

Conditions:
Hereditary spastic paraplegia 47. Also called: CEREBRAL PALSY, SPASTIC QUADRIPLEGIC, 5; adaptor protein 4 (AP-4) deficiency syndrome; Spastic paraplegia 47, autosomal recessive. Identifiers: Orphanet 280763, MedGen C3279738, MONDO:0013551, OMIM 614066.

Submission:

Labcorp Genetics (formerly Invitae), Labcorp
Classification: Uncertain significance for Hereditary spastic paraplegia 47. Last evaluated: 2022-04-06. Review status: criteria provided, single submitter. Criteria: Invitae Variant Classification Sherloc (09022015). Collection method: clinical testing. Allele origin: germline.
Comment: This sequence change replaces tryptophan, which is neutral and slightly polar, with cysteine, which is neutral and slightly polar, at codon 213 of the AP4B1 protein (p.Trp213Cys). In summary, the available evidence is currently insufficient to determine the role of this variant in disease. Therefore, it has been classified as a Variant of Uncertain Significance. Algorithms developed to predict the effect of missense changes on protein structure and function (SIFT, PolyPhen-2, Align-GVGD) all suggest that this variant is likely to be disruptive. This variant has not been reported in the literature in individuals affected with AP4B1-related conditions. This variant is not present in population databases (gnomAD no frequency).